The following is an entry in ClinVar:

NM_025114.4(CEP290):c.6319A>T (p.Lys2107Ter)

Genes: CEP290 (centrosomal protein 290; minus strand), LOC129390514 (MPRA-validated peak1864 silencer; plus strand). Cytogenetic location: 12q21.32.
Variant type: single nucleotide variant.
Coding change: c.6319A>T on transcript NM_025114.4 (MANE Select); coding-DNA position 6319, A replaced by T.
Protein change: p.Lys2107Ter; replaces lysine 2107 with a stop codon.
Molecular consequence: nonsense.
Genome position (GRCh38, 1-based): chr12:88,062,730, T>A on the plus strand (A>T on the coding strand, the complement: CEP290 is on the minus strand). VCF-style: chr12-88062730-T-A. GRCh37 (hg19) VCF-style: chr12-88456507-T-A.
Other names: short protein forms K2107*.
Identifiers: ClinVar variation 5013931 (VCV005013931.1).

ClinVar aggregate classification (germline): Pathogenic (1 of 4 stars; one submission).

Conditions:
CEP290-related ciliopathy. Also called: CEP290 ciliopathy. Identifiers: MedGen CN305601, MONDO:0100451.

Submission:

Myriad Genetics, Inc.
Classification: Pathogenic for CEP290-related ciliopathy. Last evaluated: 2025-01-05. Review status: criteria provided, single submitter. Criteria: Myriad Autosomal Dominant, Autosomal Recessive and X-Linked Classification Criteria (2023). Collection method: clinical testing. Allele origin: unknown.
Comment: NM_025114.3(CEP290):c.6319A>T(K2107*) is expected to be pathogenic in the context of CEP290-related disorders. This variant is predicted to lead to an abnormal or absent protein product due to the creation of a premature termination codon in CEP290, a gene where loss-of-function variants are known to be pathogenic. Please note: this variant was assessed in the context of healthy population screening.